The following is an entry in ClinVar:

NM_015047.3(EMC1):c.1667T>C (p.Leu556Pro)

Genes: EMC1 (ER membrane protein complex subunit 1; minus strand), EMC1-AS1 (EMC1 antisense RNA 1; plus strand). Cytogenetic location: 1p36.13.
Variant type: single nucleotide variant.
Coding change: c.1667T>C on transcript NM_015047.3 (MANE Select); coding-DNA position 1667, T replaced by C.
Protein change: p.Leu556Pro; replaces leucine 556 with proline.
Molecular consequence: missense variant.
Genome position (GRCh38, 1-based): chr1:19,232,739, A>G on the plus strand (T>C on the coding strand, the complement: EMC1 is on the minus strand). VCF-style: chr1-19232739-A-G. GRCh37 (hg19) VCF-style: chr1-19559233-A-G.
Other names: c.1664T>C, p.Leu555Pro (NM_001271427.2, NM_001271428.2); c.1601T>C, p.Leu534Pro (NM_001271429.2); c.1676T>C, p.Leu559Pro (NM_001375820.1); c.1673T>C, p.Leu558Pro (NM_001375821.1); short protein forms L555P, L558P, L559P, L534P, L556P.
Identifiers: ClinVar variation 2066480 (VCV002066480.4), dbSNP rs751988757, ClinGen allele CA652523.

ClinVar aggregate classification (germline): Uncertain significance (1 of 4 stars; one submission).

Allele frequency attached by ClinVar (database versions not stated): gnomAD exomes 0.00001; ExAC 0.00003.
gnomAD v4.1: 6 of 1,614,204 alleles (0.00037%); highest among the groups gnomAD compares: South Asian, 0.0011%; no homozygotes.

Submission:

Labcorp Genetics (formerly Invitae), Labcorp
Classification: Uncertain significance. Last evaluated: 2022-10-24. Review status: criteria provided, single submitter. Criteria: Invitae Variant Classification Sherloc (09022015). Collection method: clinical testing. Allele origin: germline.
Comment: In summary, the available evidence is currently insufficient to determine the role of this variant in disease. Therefore, it has been classified as a Variant of Uncertain Significance. Advanced modeling of protein sequence and biophysical properties (such as structural, functional, and spatial information, amino acid conservation, physicochemical variation, residue mobility, and thermodynamic stability) performed at Invitae indicates that this missense variant is expected to disrupt EMC1 protein function. This variant has not been reported in the literature in individuals affected with EMC1-related conditions. This variant is present in population databases (rs751988757, gnomAD 0.004%). This sequence change replaces leucine, which is neutral and non-polar, with proline, which is neutral and non-polar, at codon 556 of the EMC1 protein (p.Leu556Pro).